The following is an entry in ClinVar:

NM_006939.4(SOS2):c.449T>C (p.Phe150Ser)

Gene: SOS2 (SOS Ras/Rho guanine nucleotide exchange factor 2; minus strand). Cytogenetic location: 14q21.3.
Variant type: single nucleotide variant.
Coding change: c.449T>C on transcript NM_006939.4 (MANE Select); coding-DNA position 449, T replaced by C.
Protein change: p.Phe150Ser; replaces phenylalanine 150 with serine.
Molecular consequence: missense variant.
Genome position (GRCh38, 1-based): chr14:50,199,752, A>G on the plus strand (T>C on the coding strand, the complement: SOS2 is on the minus strand). VCF-style: chr14-50199752-A-G. GRCh37 (hg19) VCF-style: chr14-50666470-A-G.
Other names: short protein forms F150S.
Identifiers: ClinVar variation 1369082 (VCV001369082.6), dbSNP rs1886424881, ClinGen allele CA389649571.

ClinVar aggregate classification (germline): Uncertain significance (1 of 4 stars; one submission).

Conditions:
Noonan syndrome 9 (NS9). Identifiers: Orphanet 648, MedGen C4225282, MONDO:0014691, OMIM 616559.

Allele frequency attached by ClinVar (database versions not stated): gnomAD exomes below 0.00001.
gnomAD v4.1: 2 of 1,609,456 alleles (0.00012%); highest among the groups gnomAD compares: Middle Eastern, 0.017%; no homozygotes.

Submission:

Labcorp Genetics (formerly Invitae), Labcorp
Classification: Uncertain significance for Noonan syndrome 9. Last evaluated: 2024-11-24. Review status: criteria provided, single submitter. Criteria: Invitae Variant Classification Sherloc (09022015). Collection method: clinical testing. Allele origin: germline.
Comment: This sequence change replaces phenylalanine, which is neutral and non-polar, with serine, which is neutral and polar, at codon 150 of the SOS2 protein (p.Phe150Ser). This variant is not present in population databases (gnomAD no frequency). This variant has not been reported in the literature in individuals affected with SOS2-related conditions. ClinVar contains an entry for this variant (Variation ID: 1369082). Invitae Evidence Modeling of protein sequence and biophysical properties (such as structural, functional, and spatial information, amino acid conservation, physicochemical variation, residue mobility, and thermodynamic stability) indicates that this missense variant is not expected to disrupt SOS2 protein function with a negative predictive value of 95%. In summary, the available evidence is currently insufficient to determine the role of this variant in disease. Therefore, it has been classified as a Variant of Uncertain Significance.